The following is an entry in ClinVar:

NM_000834.5(GRIN2B):c.104T>A (p.Ile35Asn)

Gene: GRIN2B (glutamate ionotropic receptor NMDA type subunit 2B; minus strand). Cytogenetic location: 12p13.1.
Variant type: single nucleotide variant.
Coding change: c.104T>A on transcript NM_000834.5 (MANE Select); coding-DNA position 104, T replaced by A.
Protein change: p.Ile35Asn; replaces isoleucine 35 with asparagine.
Molecular consequence: missense variant.
Genome position (GRCh38, 1-based): chr12:13,866,105, A>T on the plus strand (T>A on the coding strand, the complement: GRIN2B is on the minus strand). VCF-style: chr12-13866105-A-T. GRCh37 (hg19) VCF-style: chr12-14019039-A-T.
Other names: short protein forms I35N.
Identifiers: ClinVar variation 1717410 (VCV001717410.6), dbSNP rs201568626, ClinGen allele CA384054989.
Genomic context (GRCh38, chr12:13,866,105, plus strand): 5'-TCGTGGGCATCCTTGATGGCCACCTCGTCGGAAGTGCCCACGAGGATGACAGCAATGCCA[A>T]TGCTGGGGGGGCTCTTCTGAGAACGAGCTCTGCTGCCTGACACGGCCAGGACGGCCAACA-3'
Protein context (NP_000825.2, residues 25-45): RARSQKSPPS[Ile35Asn]GIAVILVGTS

ClinVar aggregate classification (germline): Uncertain significance (1 of 4 stars; one submission).

Conditions:
Intellectual developmental disorder, autosomal dominant 6, with or without seizures. Also called: GRIN2B-related developmental delay, intellectual disability and autism spectrum disorder; Intellectual disability, autosomal dominant 6. Identifiers: Orphanet 589547, MedGen C3151411, MONDO:0013509, OMIM 613970.
Developmental and epileptic encephalopathy, 27 (DEE27). Also called: GRIN2B-Related Neurodevelopmental Disorder; Epileptic encephalopathy, early infantile, 27. Identifiers: Orphanet 3451, MedGen C4015316, MONDO:0014505, OMIM 616139.

Submission:

Labcorp Genetics (formerly Invitae), Labcorp
Classification: Uncertain significance for Developmental and epileptic encephalopathy, 27; Intellectual developmental disorder, autosomal dominant 6, with or without seizures. Last evaluated: 2022-08-21. Review status: criteria provided, single submitter. Criteria: Invitae Variant Classification Sherloc (09022015). Collection method: clinical testing. Allele origin: germline.
Comment: In summary, the available evidence is currently insufficient to determine the role of this variant in disease. Therefore, it has been classified as a Variant of Uncertain Significance. Advanced modeling of protein sequence and biophysical properties (such as structural, functional, and spatial information, amino acid conservation, physicochemical variation, residue mobility, and thermodynamic stability) performed at Invitae indicates that this missense variant is not expected to disrupt GRIN2B protein function. This variant has not been reported in the literature in individuals affected with GRIN2B-related conditions. This variant is not present in population databases (gnomAD no frequency). This sequence change replaces isoleucine, which is neutral and non-polar, with asparagine, which is neutral and polar, at codon 35 of the GRIN2B protein (p.Ile35Asn).